The following is an entry in ClinVar:

ClinVar aggregate classification (germline): Uncertain significance. Review status: criteria provided, multiple submitters, no conflicts (2 of 4 stars). 2 submissions from 2 submitters: Uncertain significance (2). Last evaluated 2024-01-30.

Allele frequency attached by ClinVar (database versions not stated): ExAC 0.00001; gnomAD 0.00001; TOPMed 0.00001; gnomAD exomes 0.00004.
gnomAD v4.1: 66 of 1,613,262 alleles (0.0041%); highest among the groups gnomAD compares: Non-Finnish European, 0.0053%; no homozygotes.

Submissions (2):

Blueprint Genetics
Classification: Uncertain significance. Last evaluated: 2024-01-30. Review status: criteria provided, single submitter. Criteria: ACMG Guidelines, 2015. Collection method: clinical testing. Allele origin: germline.

GeneDx
Classification: Uncertain significance. Last evaluated: 2022-04-10. Review status: criteria provided, single submitter. Criteria: GeneDx Variant Classification Process June 2021. Collection method: clinical testing. Allele origin: germline. Affected: yes.
Comment: In silico analysis supports that this missense variant has a deleterious effect on protein structure/function; Has not been previously published as pathogenic or benign to our knowledge

NM_004204.5(PIGQ):c.1184T>A (p.Leu395His)

Gene: PIGQ (phosphatidylinositol glycan anchor biosynthesis class Q; plus strand). Cytogenetic location: 16p13.3.
Variant type: single nucleotide variant.
Coding change: c.1184T>A on transcript NM_004204.5 (MANE Select); coding-DNA position 1184, T replaced by A.
Protein change: p.Leu395His; replaces leucine 395 with histidine.
Molecular consequence: missense variant.
Genome position (GRCh38, 1-based): chr16:578,899, T>A. VCF-style: chr16-578899-T-A. GRCh37 (hg19) VCF-style: chr16-628899-T-A.
Other names: c.1184T>A, p.Leu395His (NM_148920.4); short protein forms L395H.
Identifiers: ClinVar variation 1708629 (VCV001708629.3), dbSNP rs763899132, ClinGen allele CA7780146.